The following is an entry in ClinVar:

NM_006073.4(TRDN):c.1130A>G (p.Lys377Arg)

Gene: TRDN (triadin; minus strand). Cytogenetic location: 6q22.31.
Variant type: single nucleotide variant.
Coding change: c.1130A>G on transcript NM_006073.4 (MANE Select); coding-DNA position 1130, A replaced by G.
Protein change: p.Lys377Arg; replaces lysine 377 with arginine.
Molecular consequence: missense variant.
Genome position (GRCh38, 1-based): chr6:123,388,527, T>C on the plus strand (A>G on the coding strand, the complement: TRDN is on the minus strand). VCF-style: chr6-123388527-T-C. GRCh37 (hg19) VCF-style: chr6-123709672-T-C.
Other names: c.1133A>G, p.Lys378Arg (NM_001251987.2); short protein forms K377R, K378R.
Identifiers: ClinVar variation 519532 (VCV000519532.19), dbSNP rs750876367, ClinGen allele CA3984118.

ClinVar aggregate classification (germline): Uncertain significance. Review status: criteria provided, multiple submitters, no conflicts (2 of 4 stars). 4 submissions from 4 submitters: Uncertain significance (4). Last evaluated 2025-01-27.

Conditions:
Cardiovascular phenotype. Identifiers: MedGen CN230736.
Catecholaminergic polymorphic ventricular tachycardia 5 (CARDAR). Also called: CARDIAC ARRHYTHMIA SYNDROME, WITH OR WITHOUT SKELETAL MUSCLE WEAKNESS; Ventricular tachycardia, catecholaminergic polymorphic, 5, with or without muscle weakness. Identifiers: Orphanet 3286, MedGen C3809536, MONDO:0014191, OMIM 615441.
Catecholaminergic polymorphic ventricular tachycardia 1. Also called: RYR2-Related Catecholaminergic Polymorphic Ventricular Tachycardia; VENTRICULAR TACHYCARDIA, CATECHOLAMINERGIC POLYMORPHIC, 1, WITH OR WITHOUT ATRIAL DYSFUNCTION AND/OR DILATED CARDIOMYOPATHY; VENTRICULAR TACHYCARDIA, STRESS-INDUCED POLYMORPHIC 1. Identifiers: Orphanet 3286, MedGen C1631597, MONDO:0011484, OMIM 604772.

Allele frequency attached by ClinVar (database versions not stated): gnomAD exomes below 0.00001 and 0.00001; ExAC 0.00002.
gnomAD v4.1: 1 of 1,587,378 alleles (0.000063%); highest among the groups gnomAD compares: Non-Finnish European, 0.000086%; no homozygotes.

Submissions (4):

Women's Health and Genetics/Laboratory Corporation of America, LabCorp
Classification: Uncertain significance. Last evaluated: 2025-01-27. Review status: criteria provided, single submitter. Criteria: LabCorp Variant Classification Summary - May 2015. Collection method: clinical testing. Allele origin: germline.

Ambry Genetics
Classification: Uncertain significance for Cardiovascular phenotype. Last evaluated: 2024-10-03. Review status: criteria provided, single submitter. Criteria: Ambry Variant Classification Scheme 2023. Collection method: clinical testing. Allele origin: germline.

Revvity Omics, Revvity
Classification: Uncertain significance for Catecholaminergic polymorphic ventricular tachycardia 5. Last evaluated: 2022-08-11. Review status: criteria provided, single submitter. Criteria: ACMG Guidelines, 2015. Collection method: clinical testing. Allele origin: germline.

Labcorp Genetics (formerly Invitae), Labcorp
Classification: Uncertain significance for Catecholaminergic polymorphic ventricular tachycardia 1. Last evaluated: 2021-08-24. Review status: criteria provided, single submitter. Criteria: Invitae Variant Classification Sherloc (09022015). Collection method: clinical testing. Allele origin: germline.
Comment: This sequence change replaces lysine with arginine at codon 377 of the TRDN protein (p.Lys377Arg). The lysine residue is moderately conserved and there is a small physicochemical difference between lysine and arginine. This variant is present in population databases (rs750876367, ExAC 0.004%). This variant has not been reported in the literature in individuals affected with TRDN-related conditions. ClinVar contains an entry for this variant (Variation ID: 519532). Algorithms developed to predict the effect of missense changes on protein structure and function are either unavailable or do not agree on the potential impact of this missense change (SIFT: "Deleterious"; PolyPhen-2: "Probably Damaging"; Align-GVGD: "Class C0"). In summary, the available evidence is currently insufficient to determine the role of this variant in disease. Therefore, it has been classified as a Variant of Uncertain Significance.